The following is an entry in ClinVar:

ClinVar aggregate classification (germline): Uncertain significance (1 of 4 stars; one submission).

Conditions:
Axenfeld-Rieger syndrome type 3 (RIEG3). Also called: AXENFELD-RIEGER ANOMALY WITH CARDIAC DEFECTS AND/OR SENSORINEURAL HEARING LOSS. Identifiers: Orphanet 782, MedGen C2678503, MONDO:0011233, OMIM 602482.

Submission:

Labcorp Genetics (formerly Invitae), Labcorp
Classification: Uncertain significance for Axenfeld-Rieger syndrome type 3. Last evaluated: 2024-10-10. Review status: criteria provided, single submitter. Criteria: Invitae Variant Classification Sherloc (09022015). Collection method: clinical testing. Allele origin: germline.
Comment: This variant, c.736_756del, results in the deletion of 7 amino acid(s) of the FOXC1 protein (p.Leu246_Ala252del), but otherwise preserves the integrity of the reading frame. This variant is not present in population databases (gnomAD no frequency). This variant has not been reported in the literature in individuals affected with FOXC1-related conditions. Experimental studies and prediction algorithms are not available or were not evaluated, and the functional significance of this variant is currently unknown. In summary, the available evidence is currently insufficient to determine the role of this variant in disease. Therefore, it has been classified as a Variant of Uncertain Significance.

NM_001453.3(FOXC1):c.736_756del (p.Leu246_Ala252del)

Gene: FOXC1 (forkhead box C1; plus strand). Cytogenetic location: 6p25.3.
Variant type: Deletion.
Coding change: c.736_756del on transcript NM_001453.3 (MANE Select); coding-DNA positions 736 to 756, 21 bases deleted (CTGGGCAGCGGCAGCGCCGCC).
Protein change: p.Leu246_Ala252del.
Genome position (GRCh38, 1-based): chr6:1,611,181-1,611,201, CTGGGCAGCGGCAGCGCCGCC deleted; deleting any 21 consecutive bases within chr6:1,611,174-1,611,201 gives the same sequence; the c. name uses the placement nearest the transcript's 3' end. VCF-style (leftmost placement, unchanged base first): chr6-1611173-CCGCCGCCCTGGGCAGCGGCAG-C. GRCh37 (hg19) VCF-style: chr6-1611408-CCGCCGCCCTGGGCAGCGGCAG-C.
Identifiers: ClinVar variation 3730452 (VCV003730452.2).